The following is an entry in ClinVar:

NM_000059.4(BRCA2):c.5244C>T (p.Ser1748=)

Gene: BRCA2 (BRCA2 DNA repair associated; plus strand). Cytogenetic location: 13q13.1.
Variant type: single nucleotide variant.
Coding change: c.5244C>T on transcript NM_000059.4 (MANE Select); coding-DNA position 5244, C replaced by T.
Protein change: p.Ser1748=; no amino-acid change (serine 1748 retained).
Molecular consequence: synonymous variant.
Genome position (GRCh38, 1-based): chr13:32,339,599, C>T. VCF-style: chr13-32339599-C-T. GRCh37 (hg19) VCF-style: chr13-32913736-C-T.
Identifiers: ClinVar variation 232075 (VCV000232075.8), dbSNP rs398122528, ClinGen allele CA10579648.
Genomic context (GRCh38, chr13:32,339,599, plus strand): 5'-CAAAAATCATCTCTCCGAAAAACAAGATACTTATTTAAGTAACAGTAGCATGTCTAACAG[C>T]TATTCCTACCATTCTGATGAGGTATATAATGATTCAGGATATCTCTCAAAAAATAAACTT-3'
Protein context (NP_000050.3, residues 1738-1758): TYLSNSSMSN[Ser1748=]YSYHSDEVYN

ClinVar aggregate classification (germline): Likely benign. Review status: reviewed by expert panel (3 of 4 stars). 3 submissions from 3 submitters: Likely benign (1). 2 of the submissions do not count toward it. Last evaluated 2017-06-29.

Conditions:
Hereditary cancer-predisposing syndrome. Also called: Hereditary Cancer Syndrome; Neoplastic Syndromes, Hereditary; Tumor predisposition; Hereditary neoplastic syndrome. Identifiers: Orphanet 140162, MedGen C0027672, MeSH D009386, MONDO:0015356.
Breast-ovarian cancer, familial, susceptibility to, 2 (BROVCA2). Also called: BRCA2 Hereditary Breast and Ovarian Cancer. Identifiers: Orphanet 145, MedGen C2675520, MONDO:0012933, OMIM 612555. Disease mechanism: loss of function.

Submissions (3):

Evidence-based Network for the Interpretation of Germline Mutant Alleles (ENIGMA)
Classification: Likely benign for Breast-ovarian cancer, familial, susceptibility to, 2. Last evaluated: 2017-06-29. Review status: reviewed by expert panel. Criteria: ENIGMA BRCA1/2 Classification Criteria (2017-06-29). Collection method: curation. Allele origin: germline.
Comment: Synonymous substitution variant, with low bioinformatic likelihood to result in a splicing aberration (Splicing prior probability 0.02).

Quest Diagnostics Nichols Institute San Juan Capistrano
Classification: Uncertain significance. Last evaluated: 2024-05-21. Review status: criteria provided, single submitter. Criteria: Quest Diagnostics criteria. Collection method: clinical testing. Allele origin: unknown. Not counted in ClinVar's aggregate classification.
Comment: The BRCA2 c.5244C>T (p.Ser1748=) synonymous variant has not been reported in individuals with BRCA2-related conditions in the published literature. It also has not been reported in large, multi-ethnic general populations (Genome Aggregation Database). Analysis of this variant using software algorithms for the prediction of the effect of nucleotide changes on splicing yielded predictions that this variant does not affect BRCA2 mRNA splicing. Based on the available information, we are unable to determine the clinical significance of this variant.

Ambry Genetics
Classification: Likely benign for Hereditary cancer-predisposing syndrome. Last evaluated: 2015-06-02. Review status: criteria provided, single submitter. Criteria: Ambry Variant Classification Scheme 2023. Collection method: clinical testing. Allele origin: germline. Not counted in ClinVar's aggregate classification.